The following is an entry in ClinVar:

NM_001378454.1(ALMS1):c.4316A>C (p.Tyr1439Ser)

Gene: ALMS1 (ALMS1 centrosome and basal body associated protein; plus strand). Cytogenetic location: 2p13.1.
Variant type: single nucleotide variant.
Coding change: c.4316A>C on transcript NM_001378454.1 (MANE Select); coding-DNA position 4316, A replaced by C.
Protein change: p.Tyr1439Ser; replaces tyrosine 1439 with serine.
Molecular consequence: missense variant.
Genome position (GRCh38, 1-based): chr2:73,450,843, A>C. VCF-style: chr2-73450843-A-C. GRCh37 (hg19) VCF-style: chr2-73677970-A-C.
Other names: c.4319A>C, p.Tyr1440Ser (NM_015120.4); short protein forms Y1440S, Y1439S.
Identifiers: ClinVar variation 459868 (VCV000459868.18), dbSNP rs201971114, ClinGen allele CA1713687.

ClinVar aggregate classification (germline): Conflicting classifications of pathogenicity. Review status: criteria provided, conflicting classifications (1 of 4 stars). 8 submissions from 8 submitters: Uncertain significance (5); Likely benign (3). Last evaluated 2026-05-13.

Conditions:
Monogenic diabetes. Identifiers: Orphanet 183625, MedGen C3888631, MONDO:0015967.
Cardiovascular phenotype. Identifiers: MedGen CN230736.
Alstrom syndrome (ALMS). Identifiers: Orphanet 64, MedGen C0268425, MONDO:0008763, OMIM 203800.

Allele frequency attached by ClinVar (database versions not stated): gnomAD exomes 0.00008; ExAC 0.00010; TOPMed 0.00030; gnomAD 0.00035 and 0.00037; 1000 Genomes Project 0.00040; ESP Exome Variant Server 0.00042; 1000 Genomes Project 30x 0.00062.
gnomAD v4.1: 120 of 1,614,084 alleles (0.0074%); highest among the groups gnomAD compares: African/African-American, 0.15%; no homozygotes.

Submissions (8):

GeneDx
Classification: Uncertain significance. Last evaluated: 2026-05-13. Review status: criteria provided, single submitter. Criteria: GeneDx Variant Classification Process June 2021. Collection method: clinical testing. Allele origin: germline.
Comment: Has not been previously published as pathogenic or benign to our knowledge; In silico analysis suggests that this missense variant does not alter protein structure/function

Women's Health and Genetics/Laboratory Corporation of America, LabCorp
Classification: Uncertain significance. Last evaluated: 2025-09-15. Review status: criteria provided, single submitter. Criteria: LabCorp Variant Classification Summary - May 2015. Collection method: clinical testing. Allele origin: germline.

Blueprint Genetics
Classification: Likely benign. Last evaluated: 2023-11-22. Review status: criteria provided, single submitter. Criteria: ACMG Guidelines, 2015. Collection method: clinical testing. Allele origin: germline.

Labcorp Genetics (formerly Invitae), Labcorp
Classification: Uncertain significance for Alstrom syndrome. Last evaluated: 2022-10-17. Review status: criteria provided, single submitter. Criteria: Invitae Variant Classification Sherloc (09022015). Collection method: clinical testing. Allele origin: germline.
Comment: This sequence change replaces tyrosine, which is neutral and polar, with serine, which is neutral and polar, at codon 1440 of the ALMS1 protein (p.Tyr1440Ser). This variant is present in population databases (rs201971114, gnomAD 0.1%). This variant has not been reported in the literature in individuals affected with ALMS1-related conditions. ClinVar contains an entry for this variant (Variation ID: 459868). Algorithms developed to predict the effect of missense changes on protein structure and function output the following: SIFT: "Not Available"; PolyPhen-2: "Not Available"; Align-GVGD: "Not Available". The serine amino acid residue is found in multiple mammalian species, which suggests that this missense change does not adversely affect protein function. In summary, the available evidence is currently insufficient to determine the role of this variant in disease. Therefore, it has been classified as a Variant of Uncertain Significance.

New York Genome Center
Classification: Uncertain significance for Alstrom syndrome. Last evaluated: 2022-01-14. Review status: criteria provided, single submitter. Criteria: NYGC Assertion Criteria 2020. Collection method: clinical testing. Allele origin: germline. Observed: 1 heterozygote.

Ambry Genetics
Classification: Likely benign for Cardiovascular phenotype. Last evaluated: 2019-10-16. Review status: criteria provided, single submitter. Criteria: Ambry Variant Classification Scheme 2023. Collection method: clinical testing. Allele origin: germline.

Personalized Diabetes Medicine Program, University of Maryland School of Medicine
Classification: Likely benign for Monogenic diabetes. Last evaluated: 2018-06-01. Review status: criteria provided, single submitter. Criteria: ACMG Guidelines, 2015. Collection method: research. Allele origin: unknown. Observed: 1 variant allele, 1 heterozygote.
Comment: ACMG criteria: BP4 (8 predictors plus Revel score: 0.01), BP1 (missense in gene with truncating known)= likely benign

Clinical Genomics, Uppaluri K&H Personalized Medicine Clinic
Classification: Uncertain significance for Alstrom syndrome. Review status: criteria provided, single submitter. Criteria: K & H Uppaluri Personalized Medicine Clinic Variant Classification & Assertion Criteria_Updated V.1. Collection method: research. Allele origin: unknown. Inheritance: Autosomal recessive inheritance.
Comment: Potent mutations in ALMS1 are associated with a rare condition called Alstrom syndrome. It can cause excessive eating, insulin resistance. However, no evidence is found to ascertain the role of rs201971114 in Alstrom syndrome yet.

Literature cited by the submitters: PubMed 34148947 (cited by Clinical Genomics, Uppaluri K&H Personalized Medicine Clinic); PubMed 25846608 (cited by Clinical Genomics, Uppaluri K&H Personalized Medicine Clinic); PubMed 30421101 (cited by Clinical Genomics, Uppaluri K&H Personalized Medicine Clinic); PubMed 33669459 (cited by Clinical Genomics, Uppaluri K&H Personalized Medicine Clinic).